The following is an entry in ClinVar:

NM_022168.4(IFIH1):c.1924G>A (p.Glu642Lys)

Gene: IFIH1 (interferon induced with helicase C domain 1; minus strand). Cytogenetic location: 2q24.2.
Variant type: single nucleotide variant.
Coding change: c.1924G>A on transcript NM_022168.4 (MANE Select); coding-DNA position 1924, G replaced by A.
Protein change: p.Glu642Lys; replaces glutamic acid 642 with lysine.
Molecular consequence: missense variant.
Genome position (GRCh38, 1-based): chr2:162,277,535, C>T on the plus strand (G>A on the coding strand, the complement: IFIH1 is on the minus strand). VCF-style: chr2-162277535-C-T. GRCh37 (hg19) VCF-style: chr2-163134045-C-T.
Other names: short protein forms E642K.
Identifiers: ClinVar variation 1697146 (VCV001697146.2), dbSNP rs748031255, ClinGen allele CA1934352.

ClinVar aggregate classification (germline): Uncertain significance (1 of 4 stars; one submission).

Allele frequency attached by ClinVar (database versions not stated): gnomAD exomes below 0.00001; ExAC 0.00001.

Submission:

GeneDx
Classification: Uncertain significance. Last evaluated: 2022-01-18. Review status: criteria provided, single submitter. Criteria: GeneDx Variant Classification Process June 2021. Collection method: clinical testing. Allele origin: germline. Affected: yes.
Comment: Not observed at significant frequency in large population cohorts (gnomAD); In silico analysis supports that this missense variant does not alter protein structure/function; Has not been previously published as pathogenic or benign to our knowledge